The following is an entry in ClinVar:

NM_001065.4(TNFRSF1A):c.241T>C (p.Cys81Arg)

Gene: TNFRSF1A (TNF receptor superfamily member 1A; minus strand). Cytogenetic location: 12p13.31.
Variant type: single nucleotide variant.
Coding change: c.241T>C on transcript NM_001065.4 (MANE Select); coding-DNA position 241, T replaced by C.
Protein change: p.Cys81Arg; replaces cysteine 81 with arginine.
Molecular consequence: missense variant. On other transcripts: 5 prime UTR variant (2), non-coding transcript variant (1).
Genome position (GRCh38, 1-based): chr12:6,333,818, A>G on the plus strand (T>C on the coding strand, the complement: TNFRSF1A is on the minus strand). VCF-style: chr12-6333818-A-G. GRCh37 (hg19) VCF-style: chr12-6442984-A-G.
Other names: c.-84T>C (NM_001346091.2); c.-337T>C (NM_001346092.2); short protein forms C81R.
Identifiers: ClinVar variation 97668 (VCV000097668.9), dbSNP rs104895232, ClinGen allele CA280763.

ClinVar aggregate classification (germline): Likely pathogenic. Review status: criteria provided, single submitter (1 of 4 stars). 2 submissions from 2 submitters: Likely pathogenic (1). 1 of the submissions does not count toward it. Last evaluated 2018-07-24.

Conditions:
TNF receptor-associated periodic fever syndrome (TRAPS) (FPF). Also called: Autosomal Dominant Familial Periodic Fever; TNF RECEPTOR-ASSOCIATED PERIODIC SYNDROME; TUMOR NECROSIS FACTOR RECEPTOR-ASSOCIATED PERIODIC SYNDROME; TNF Receptor-Associated Periodic Fever Syndrome; FAMILIAL HIBERNIAN FEVER; TNF receptor 1-associated periodic fever syndrome. Identifiers: Orphanet 32960, MedGen C1275126, MONDO:0007727, OMIM 142680.

Submissions (2):

Labcorp Genetics (formerly Invitae), Labcorp
Classification: Likely pathogenic for TNF receptor-associated periodic fever syndrome (TRAPS). Last evaluated: 2018-07-24. Review status: criteria provided, single submitter. Criteria: Invitae Variant Classification Sherloc (09022015). Collection method: clinical testing. Allele origin: germline.
Comment: This variant has been observed to segregate with TNF receptor-associated periodic fever syndrome in a family (PMID: 13130484). ClinVar contains an entry for this variant (Variation ID: 97668). In summary, the currently available evidence indicates that the variant is pathogenic, but additional data are needed to prove that conclusively. Therefore, this variant has been classified as Likely Pathogenic. Variants that disrupt the p.Cys81 amino acid residue in TNFRSF1A have been observed in affected individuals (PMID: 10199409, 16508982). This suggests that it is a clinically significant residue, and that other variants that disrupt this residue are likely to be causative of disease. Algorithms developed to predict the effect of missense changes on protein structure and function (SIFT, PolyPhen-2, Align-GVGD) all suggest that this variant is likely to be disruptive, but these predictions have not been confirmed by published functional studies and their clinical significance is uncertain. This variant is not present in population databases (ExAC no frequency). This sequence change replaces cysteine with arginine at codon 81 of the TNFRSF1A protein (p.Cys81Arg). The cysteine residue is highly conserved and there is a large physicochemical difference between cysteine and arginine.

Unité médicale des maladies autoinflammatoires, CHRU Montpellier
No classification provided. Condition: TNF receptor-associated periodic fever syndrome (TRAPS). Review status: no classification provided. Collection method: not provided. Allele origin: unknown. Not counted in ClinVar's aggregate classification.

Literature cited by the submitters: PubMed 13130484 (cited by Labcorp Genetics (formerly Invitae), Labcorp); PubMed 10199409 (cited by Labcorp Genetics (formerly Invitae), Labcorp); PubMed 16508982 (cited by Labcorp Genetics (formerly Invitae), Labcorp).